The following is an entry in ClinVar:

NM_002499.4(NEO1):c.3279T>G (p.His1093Gln)

Gene: NEO1 (neogenin 1; plus strand). Cytogenetic location: 15q24.1.
Variant type: single nucleotide variant.
Coding change: c.3279T>G on transcript NM_002499.4 (MANE Select); coding-DNA position 3279, T replaced by G.
Protein change: p.His1093Gln; replaces histidine 1093 with glutamine.
Molecular consequence: missense variant.
Genome position (GRCh38, 1-based): chr15:73,282,980, T>G. VCF-style: chr15-73282980-T-G. GRCh37 (hg19) VCF-style: chr15-73575321-T-G.
Other names: c.3279T>G, p.His1093Gln (NM_001172623.2); c.3246T>G, p.His1082Gln (NM_001172624.2); c.3339T>G, p.His1113Gln (NM_001419531.1); short protein forms H1082Q, H1093Q, H1113Q.
Identifiers: ClinVar variation 3037074 (VCV003037074.2), dbSNP rs551596506, ClinGen allele CA7648464.

ClinVar aggregate classification (germline): Likely benign (0 of 4 stars; one submission).

Conditions:
NEO1-related disorder. Also called: NEO1-related condition.

Allele frequency attached by ClinVar (database versions not stated): TOPMed 0.00003; gnomAD 0.00008; gnomAD exomes 0.00029; 1000 Genomes Project 30x 0.00062; ExAC 0.00063; 1000 Genomes Project 0.00080.
gnomAD v4.1: 430 of 1,614,086 alleles (0.027%); highest among the groups gnomAD compares: South Asian, 0.44%; 4 homozygotes.

Submission:

PreventionGenetics, part of Exact Sciences
Classification: Likely benign for NEO1-related condition. Last evaluated: 2022-09-20. Review status: no assertion criteria provided. Collection method: clinical testing. Allele origin: germline.
Comment: This variant is classified as likely benign based on ACMG/AMP sequence variant interpretation guidelines (Richards et al. 2015 PMID: 25741868, with internal and published modifications).